The following is an entry in ClinVar:

ClinVar aggregate classification (germline): Uncertain significance. Review status: criteria provided, multiple submitters, no conflicts (2 of 4 stars). 2 submissions from 2 submitters: Uncertain significance (2). Last evaluated 2026-04-22.

Conditions:
Long QT syndrome (LQTS). Identifiers: MedGen C0023976, MeSH D008133, MONDO:0002442. Disease mechanism: loss of function. Inheritance: Various modes of inheritance.

gnomAD v4.1: 6 of 1,613,922 alleles (0.00037%); highest among the groups gnomAD compares: African/African-American, 0.0067%; no homozygotes.

Submissions (2):

GeneDx
Classification: Uncertain significance. Last evaluated: 2026-04-22. Review status: criteria provided, single submitter. Criteria: GeneDx Variant Classification Process June 2021. Collection method: clinical testing. Allele origin: germline.
Comment: Not observed at significant frequency in large population cohorts (gnomAD); In silico analysis suggests that this missense variant does not alter protein structure/function; Has not been previously published as pathogenic or benign to our knowledge

Labcorp Genetics (formerly Invitae), Labcorp
Classification: Uncertain significance for Long QT syndrome. Last evaluated: 2022-11-15. Review status: criteria provided, single submitter. Criteria: Invitae Variant Classification Sherloc (09022015). Collection method: clinical testing. Allele origin: germline.
Comment: This sequence change replaces glycine, which is neutral and non-polar, with valine, which is neutral and non-polar, at codon 149 of the KCNH2 protein (p.Gly149Val). This variant is present in population databases (rs199472865, gnomAD 0.008%). This variant has not been reported in the literature in individuals affected with KCNH2-related conditions. Algorithms developed to predict the effect of missense changes on protein structure and function (SIFT, PolyPhen-2, Align-GVGD) all suggest that this variant is likely to be tolerated. In summary, the available evidence is currently insufficient to determine the role of this variant in disease. Therefore, it has been classified as a Variant of Uncertain Significance.

NM_000238.4(KCNH2):c.446G>T (p.Gly149Val)

Gene: KCNH2 (potassium voltage-gated channel subfamily H member 2; minus strand). Cytogenetic location: 7q36.1.
Variant type: single nucleotide variant.
Coding change: c.446G>T on transcript NM_000238.4 (MANE Select); coding-DNA position 446, G replaced by T.
Protein change: p.Gly149Val; replaces glycine 149 with valine.
Molecular consequence: missense variant. On other transcripts: non-coding transcript variant (1).
Genome position (GRCh38, 1-based): chr7:150,959,598, C>A on the plus strand (G>T on the coding strand, the complement: KCNH2 is on the minus strand). VCF-style: chr7-150959598-C-A. GRCh37 (hg19) VCF-style: chr7-150656686-C-A.
Other names: c.158G>T, p.Gly53Val (NM_001406753.1, NM_001406756.1); c.269G>T, p.Gly90Val (NM_001406755.1); c.146G>T, p.Gly49Val (NM_001406757.1); c.446G>T, p.Gly149Val (NM_172056.3); c.446G>T (NM_000238.2); short protein forms G53V, G49V, G90V, G149V.
Identifiers: ClinVar variation 2716028 (VCV002716028.4), dbSNP rs199472865, ClinGen allele CA039520.